The following is an entry in ClinVar:

NM_000153.4(GALC):c.655C>T (p.Gln219Ter)

Gene: GALC (galactosylceramidase; minus strand). Cytogenetic location: 14q31.3.
Variant type: single nucleotide variant.
Coding change: c.655C>T on transcript NM_000153.4 (MANE Select); coding-DNA position 655, C replaced by T.
Protein change: p.Gln219Ter; replaces glutamine 219 with a stop codon.
Molecular consequence: nonsense.
Genome position (GRCh38, 1-based): chr14:87,976,455, G>A on the plus strand (C>T on the coding strand, the complement: GALC is on the minus strand). VCF-style: chr14-87976455-G-A. GRCh37 (hg19) VCF-style: chr14-88442799-G-A.
Other names: c.586C>T, p.Gln196Ter (NM_001201401.2); c.577C>T, p.Gln193Ter (NM_001201402.2); short protein forms Q219*, Q196*, Q193*.
Identifiers: ClinVar variation 1925164 (VCV001925164.6), dbSNP rs2503477272, ClinGen allele CA390749660.

ClinVar aggregate classification (germline): Pathogenic/Likely pathogenic. Review status: criteria provided, multiple submitters, no conflicts (2 of 4 stars). 2 submissions from 2 submitters: Pathogenic (1); Likely pathogenic (1). Last evaluated 2024-05-18.

Conditions:
Galactosylceramide beta-galactosidase deficiency. Also called: Leukodystrophy, Globoid Cell; GALACTOCEREBROSIDASE DEFICIENCY; GALC DEFICIENCY; GLOBOID CELL LEUKOENCEPHALOPATHY; Krabbe Disease. Identifiers: Orphanet 487, MedGen C0023521, MONDO:0009499, OMIM 245200.

Allele frequency attached by ClinVar (database versions not stated): gnomAD exomes below 0.00001.
gnomAD v4.1: 1 of 1,613,122 alleles (0.000062%); no homozygotes.

Submissions (2):

Fulgent Genetics
Classification: Likely pathogenic for Galactosylceramide beta-galactosidase deficiency. Last evaluated: 2024-05-18. Review status: criteria provided, single submitter. Criteria: ACMG Guidelines, 2015. Collection method: clinical testing. Allele origin: germline.

Labcorp Genetics (formerly Invitae), Labcorp
Classification: Pathogenic for Galactosylceramide beta-galactosidase deficiency. Last evaluated: 2022-07-07. Review status: criteria provided, single submitter. Criteria: Invitae Variant Classification Sherloc (09022015). Collection method: clinical testing. Allele origin: germline.
Comment: For these reasons, this variant has been classified as Pathogenic. Algorithms developed to predict the effect of sequence changes on RNA splicing suggest that this variant may disrupt the consensus splice site. This variant has not been reported in the literature in individuals affected with GALC-related conditions. This variant is not present in population databases (gnomAD no frequency). This sequence change creates a premature translational stop signal (p.Gln219*) in the GALC gene. It is expected to result in an absent or disrupted protein product. Loss-of-function variants in GALC are known to be pathogenic (PMID: 7437911, 9272171, 16607461).

Literature cited by the submitters: PubMed 7437911 (cited by Labcorp Genetics (formerly Invitae), Labcorp); PubMed 9272171 (cited by Labcorp Genetics (formerly Invitae), Labcorp); PubMed 16607461 (cited by Labcorp Genetics (formerly Invitae), Labcorp).